The following is an entry in ClinVar:

ClinVar aggregate classification (germline): Benign/Likely benign. Review status: criteria provided, multiple submitters, no conflicts (2 of 4 stars). 5 submissions from 5 submitters: Benign (1); Likely benign (4). Last evaluated 2026-01-04.

Conditions:
Hereditary cancer-predisposing syndrome. Also called: Tumor predisposition; Hereditary Cancer Syndrome; Hereditary neoplastic syndrome; Neoplastic Syndromes, Hereditary. Identifiers: Orphanet 140162, MedGen C0027672, MeSH D009386, MONDO:0015356.
Familial cancer of breast. Also called: hereditary breast carcinoma; BREAST CANCER, FAMILIAL; Hereditary breast cancer. Identifiers: Orphanet 227535, MedGen C0346153, MONDO:0016419, OMIM 114480. Disease mechanism: loss of function.
Ataxia-telangiectasia syndrome (AT). Also called: Ataxia telangiectasia (A-T); LOUIS-BAR SYNDROME; Cerebello-oculocutaneous telangiectasia; Immunodeficiency with ataxia telangiectasia; ATAXIA-TELANGIECTASIA, COMPLEMENTATION GROUP A; ATAXIA-TELANGIECTASIA, FRESNO VARIANT. Identifiers: Orphanet 100, MedGen C0004135, MONDO:0008840, OMIM 208900.

Allele frequency attached by ClinVar (database versions not stated): gnomAD exomes below 0.00001; TOPMed below 0.00001.
gnomAD v4.1: 2 of 1,613,798 alleles (0.00012%); highest among the groups gnomAD compares: East Asian, 0.0022%; no homozygotes.

Submissions (5):

Labcorp Genetics (formerly Invitae), Labcorp
Classification: Likely benign for Ataxia-telangiectasia syndrome. Last evaluated: 2026-01-04. Review status: criteria provided, single submitter. Criteria: Invitae Variant Classification Sherloc (09022015). Collection method: clinical testing. Allele origin: germline.

Myriad Genetics, Inc.
Classification: Benign for Familial cancer of breast. Last evaluated: 2024-05-14. Review status: criteria provided, single submitter. Criteria: Myriad Autosomal Dominant, Autosomal Recessive and X-Linked Classification Criteria (2023). Collection method: clinical testing. Allele origin: unknown.
Comment: This variant is considered benign. This variant is a silent/synonymous amino acid change and it is not expected to impact splicing.

GeneDx
Classification: Likely benign. Last evaluated: 2018-09-21. Review status: criteria provided, single submitter. Criteria: GeneDx Variant Classification Process June 2021. Collection method: clinical testing. Allele origin: germline. Affected: yes.

Ambry Genetics
Classification: Likely benign for Hereditary cancer-predisposing syndrome. Last evaluated: 2017-05-18. Review status: criteria provided, single submitter. Criteria: Ambry Variant Classification Scheme 2023. Collection method: clinical testing. Allele origin: germline.

Color Diagnostics, LLC DBA Color Health
Classification: Likely benign for Hereditary cancer-predisposing syndrome. Last evaluated: 2015-04-23. Review status: criteria provided, single submitter. Criteria: ACMG Guidelines, 2015. Collection method: clinical testing. Allele origin: germline.

NM_000051.4(ATM):c.3471G>A (p.Leu1157=)

Gene: ATM (ATM serine/threonine kinase; plus strand). Cytogenetic location: 11q22.3.
Variant type: single nucleotide variant.
Coding change: c.3471G>A on transcript NM_000051.4 (MANE Select); coding-DNA position 3471, G replaced by A.
Protein change: p.Leu1157=; no amino-acid change (leucine 1157 retained).
Molecular consequence: synonymous variant.
Genome position (GRCh38, 1-based): chr11:108,281,063, G>A. VCF-style: chr11-108281063-G-A. GRCh37 (hg19) VCF-style: chr11-108151790-G-A.
Other names: c.3471G>A, p.Leu1157= (NM_001351834.2).
Identifiers: ClinVar variation 236704 (VCV000236704.19), dbSNP rs878853504, ClinGen allele CA10582810.